The following is an entry in ClinVar:

ClinVar aggregate classification (germline): Benign/Likely benign. Review status: criteria provided, multiple submitters, no conflicts (2 of 4 stars). 5 submissions from 5 submitters: Benign (4); Likely benign (1). Last evaluated 2026-02-04.

Conditions:
Sulfite oxidase deficiency due to molybdenum cofactor deficiency type A. Also called: Molybdenum cofactor deficiency, complementation group A; Molybdenum Cofactor Deficiency A. Identifiers: Orphanet 308386, Orphanet 833, MedGen C1854988, MONDO:0009643, OMIM 252150.

Allele frequency attached by ClinVar (database versions not stated): TOPMed 0.06080; ESP Exome Variant Server 0.06243; 1000 Genomes Project 0.06250; gnomAD exomes 0.06284 and 0.06756; 1000 Genomes Project 30x 0.06387; gnomAD 0.06768 and 0.06772; ExAC 0.11577.
gnomAD v4.1: 101,382 of 1,597,882 alleles (6.3%); highest among the groups gnomAD compares: South Asian, 9.4%; 3,712 homozygotes.

Submissions (5):

Labcorp Genetics (formerly Invitae), Labcorp
Classification: Benign for Sulfite oxidase deficiency due to molybdenum cofactor deficiency type A. Last evaluated: 2026-02-04. Review status: criteria provided, single submitter. Criteria: Invitae Variant Classification Sherloc (09022015). Collection method: clinical testing. Allele origin: germline.

Blueprint Genetics
Classification: Likely benign. Last evaluated: 2024-11-26. Review status: criteria provided, single submitter. Criteria: ACMG Guidelines, 2015. Collection method: clinical testing. Allele origin: germline.

GeneDx
Classification: Benign. Last evaluated: 2021-05-13. Review status: criteria provided, single submitter. Criteria: GeneDx Variant Classification Process June 2021. Collection method: clinical testing. Allele origin: germline. Affected: yes.

Mayo Clinic Laboratories, Mayo Clinic
Classification: Benign. Last evaluated: 2018-04-02. Review status: criteria provided, single submitter. Criteria: ACMG Guidelines, 2015. Collection method: clinical testing. Allele origin: germline. Observed: 103 variant alleles.

Illumina Laboratory Services, Illumina
Classification: Benign for Sulfite oxidase deficiency due to molybdenum cofactor deficiency type A. Last evaluated: 2018-01-12. Review status: criteria provided, single submitter. Criteria: ICSL Variant Classification Criteria 13 December 2019. Collection method: clinical testing. Allele origin: germline.
Comment: This variant was observed in the ICSL laboratory as part of a predisposition screen in an ostensibly healthy population. It had not been previously curated by ICSL or reported in the Human Gene Mutation Database (HGMD: prior to June 1st, 2018), and was therefore a candidate for classification through an automated scoring system. Utilizing variant allele frequency, disease prevalence and penetrance estimates, and inheritance mode, an automated score was calculated to assess if this variant is too frequent to cause the disease. Based on the score and internal cut-off values, a variant classified as benign is not then subjected to further curation. The score for this variant resulted in a classification of benign for this disease.

NM_001358530.2(MOCS1):c.583+10T>A

Gene: MOCS1 (molybdenum cofactor synthesis 1; minus strand). Cytogenetic location: 6p21.2.
Variant type: single nucleotide variant.
Coding change: c.583+10T>A on transcript NM_001358530.2 (MANE Select); 10 bases into the intron after coding-DNA position 583, T replaced by A.
Molecular consequence: intron variant.
Genome position (GRCh38, 1-based): chr6:39,916,058, A>T on the plus strand (T>A on the coding strand, the complement: MOCS1 is on the minus strand). VCF-style: chr6-39916058-A-T. GRCh37 (hg19) VCF-style: chr6-39883802-A-T.
Other names: p.?; c.322+10T>A (NM_001358531.2, NM_001358533.2, NM_001358534.2); c.583+10T>A (NM_001358529.2, NM_001075098.4, NM_005943.6).
Identifiers: ClinVar variation 356661 (VCV000356661.17), dbSNP rs34757428, ClinGen allele CA3796245.
Genomic context (GRCh38, chr6:39,916,058, plus strand): 5'-CAATGGCCATGCCCTCCCCAGCTATGTGCAGGCCCTGGGAGGGACACCCACCCCATCCAC[A>T]TCCGCTCACCTTTCCTGCGGACAATGAACTCAAACTTGGCAGGCACCAGGGTGTCCAGGC-3'